The following is an entry in ClinVar:

ClinVar aggregate classification (germline): Conflicting classifications of pathogenicity. Review status: criteria provided, conflicting classifications (1 of 4 stars). 2 submissions from 2 submitters: Likely pathogenic (1); Uncertain significance (1). Last evaluated 2022-09-06.

Conditions:
Neuronal ceroid lipofuscinosis. Also called: Neuronal Ceroid Lipofuscinoses. Identifiers: Orphanet 216, Orphanet 79263, MedGen C0027877, MONDO:0016295. Disease mechanism: loss of function.
Ceroid lipofuscinosis, neuronal, 6B (Kufs type). Also called: Neuronal ceroid lipofuscinosis 4A. Identifiers: Orphanet 700477, MedGen C5561927, MONDO:0008768, OMIM 204300.

Allele frequency attached by ClinVar (database versions not stated): gnomAD 0.00001; TOPMed 0.00001; ExAC 0.00002; gnomAD exomes 0.00002 and 0.00003.
gnomAD v4.1: 31 of 1,613,816 alleles (0.0019%); highest among the groups gnomAD compares: South Asian, 0.0088%; no homozygotes.

Submissions (2):

Labcorp Genetics (formerly Invitae), Labcorp
Classification: Uncertain significance for Neuronal ceroid lipofuscinosis. Last evaluated: 2022-09-06. Review status: criteria provided, single submitter. Criteria: Invitae Variant Classification Sherloc (09022015). Collection method: clinical testing. Allele origin: germline.
Comment: This sequence change replaces threonine, which is neutral and polar, with methionine, which is neutral and non-polar, at codon 113 of the CLN6 protein (p.Thr113Met). This variant is present in population databases (rs758830997, gnomAD 0.006%). This variant has not been reported in the literature in individuals affected with CLN6-related conditions. ClinVar contains an entry for this variant (Variation ID: 1056860). Algorithms developed to predict the effect of missense changes on protein structure and function (SIFT, PolyPhen-2, Align-GVGD) all suggest that this variant is likely to be tolerated. In summary, the available evidence is currently insufficient to determine the role of this variant in disease. Therefore, it has been classified as a Variant of Uncertain Significance.

Mendelics
Classification: Likely pathogenic for Ceroid lipofuscinosis, neuronal, 6B (Kufs type). Last evaluated: 2022-05-04. Review status: criteria provided, single submitter. Criteria: Mendelics Assertion Criteria 2019. Collection method: clinical testing. Allele origin: germline.

NM_017882.3(CLN6):c.338C>T (p.Thr113Met)

Gene: CLN6 (CLN6 transmembrane ER protein; minus strand). Cytogenetic location: 15q23.
Variant type: single nucleotide variant.
Coding change: c.338C>T on transcript NM_017882.3 (MANE Select); coding-DNA position 338, C replaced by T.
Protein change: p.Thr113Met; replaces threonine 113 with methionine.
Molecular consequence: missense variant.
Genome position (GRCh38, 1-based): chr15:68,211,823, G>A on the plus strand (C>T on the coding strand, the complement: CLN6 is on the minus strand). VCF-style: chr15-68211823-G-A. GRCh37 (hg19) VCF-style: chr15-68504161-G-A.
Other names: short protein forms T113M.
Identifiers: ClinVar variation 1056860 (VCV001056860.3), dbSNP rs758830997, ClinGen allele CA7630621.